The following is an entry in ClinVar:

NM_000455.5(STK11):c.16C>T (p.Pro6Ser)

Gene: STK11 (serine/threonine kinase 11; plus strand). Cytogenetic location: 19p13.3.
Variant type: single nucleotide variant.
Coding change: c.16C>T on transcript NM_000455.5 (MANE Select); coding-DNA position 16, C replaced by T.
Protein change: p.Pro6Ser; replaces proline 6 with serine.
Molecular consequence: missense variant.
Genome position (GRCh38, 1-based): chr19:1,206,929, C>T. VCF-style: chr19-1206929-C-T. GRCh37 (hg19) VCF-style: chr19-1206928-C-T.
Other names: short protein forms P6S.
Identifiers: ClinVar variation 1403746 (VCV001403746.13), dbSNP rs1360284524, ClinGen allele CA402943037.

ClinVar aggregate classification (germline): Conflicting classifications of pathogenicity. Review status: criteria provided, conflicting classifications (1 of 4 stars). 4 submissions from 4 submitters: Uncertain significance (3); Likely benign (1). Last evaluated 2025-12-29.

Conditions:
Peutz-Jeghers syndrome (PJS). Also called: POLYPOSIS, HAMARTOMATOUS INTESTINAL; POLYPS-AND-SPOTS SYNDROME; Peutz-Jeghers polyposis; Periorificial lentiginosis syndrome. Identifiers: Orphanet 2869, MedGen C0031269, MeSH D010580, MONDO:0008280, OMIM 175200.
Hereditary cancer-predisposing syndrome. Also called: Neoplastic Syndromes, Hereditary; Hereditary neoplastic syndrome; Hereditary Cancer Syndrome; Tumor predisposition. Identifiers: Orphanet 140162, MedGen C0027672, MeSH D009386, MONDO:0015356.

Allele frequency attached by ClinVar (database versions not stated): gnomAD exomes below 0.00001.
gnomAD v4.1: 1 of 1,588,908 alleles (0.000063%); highest among the groups gnomAD compares: Non-Finnish European, 0.000086%; no homozygotes.

Submissions (4):

Center for Genomic Medicine, Rigshospitalet, Copenhagen University Hospital
Classification: Uncertain significance. Last evaluated: 2025-12-29. Review status: criteria provided, single submitter. Criteria: ACMG Guidelines, 2015. Collection method: clinical testing. Allele origin: germline.

Ambry Genetics
Classification: Likely benign for Hereditary cancer-predisposing syndrome. Last evaluated: 2025-09-02. Review status: criteria provided, single submitter. Criteria: Ambry Variant Classification Scheme 2023. Collection method: clinical testing. Allele origin: germline.

All of Us Research Program, National Institutes of Health
Classification: Uncertain significance for Peutz-Jeghers syndrome. Last evaluated: 2023-06-27. Review status: criteria provided, single submitter. Criteria: ACMG Guidelines, 2015. Collection method: clinical testing. Allele origin: germline. Inheritance: Autosomal dominant inheritance. Observed: 2 variant alleles, 2 heterozygotes.
Comment: This missense variant replaces proline with serine at codon 6 of the STK11 protein. Computational prediction suggests that this variant may not impact protein structure and function (internally defined REVEL score threshold <= 0.5, PMID: 27666373). To our knowledge, functional studies have not been reported for this variant. This variant has not been reported in individuals affected with hereditary cancer in the literature. This variant has not been identified in the general population by the Genome Aggregation Database (gnomAD). The available evidence is insufficient to determine the role of this variant in disease conclusively. Therefore, this variant is classified as a Variant of Uncertain Significance.

This study involves interpretation of variants in research participants for the purpose of population health screening. Participant phenotype was not available at the time of variant classification. Additional details can be found in publication PMID: 35346344, PMCID: PMC8962531

Labcorp Genetics (formerly Invitae), Labcorp
Classification: Uncertain significance for Peutz-Jeghers syndrome. Last evaluated: 2021-07-26. Review status: criteria provided, single submitter. Criteria: Invitae Variant Classification Sherloc (09022015). Collection method: clinical testing. Allele origin: germline.
Comment: This sequence change replaces proline with serine at codon 6 of the STK11 protein (p.Pro6Ser). The proline residue is moderately conserved and there is a moderate physicochemical difference between proline and serine. This variant is not present in population databases (ExAC no frequency). In summary, the available evidence is currently insufficient to determine the role of this variant in disease. Therefore, it has been classified as a Variant of Uncertain Significance. Advanced modeling of experimental studies (such as gene expression, population dynamics, functional pathways, and cell-cycle effects in cell culture) performed at Invitae indicates that this missense variant is not expected to disrupt STK11 protein function. This variant has not been reported in the literature in individuals with STK11-related conditions.